The following is an entry in ClinVar:

ClinVar aggregate classification (germline): Likely benign (1 of 4 stars; one submission).

gnomAD v4.1: 3 of 1,614,124 alleles (0.00019%); highest among the groups gnomAD compares: Middle Eastern, 0.033%; no homozygotes.

Submission:

CeGaT Center for Human Genetics Tuebingen
Classification: Likely benign. Last evaluated: 2026-09-01. Review status: criteria provided, single submitter. Criteria: CeGaT Center For Human Genetics Tuebingen Variant Classification Criteria Version 2. Collection method: clinical testing. Allele origin: germline. Affected: yes. Observed: 1 variant allele.
Comment: UNC79: BP4, BP7

NM_001395159.1(UNC79):c.4875T>C (p.Ala1625=)

Gene: UNC79 (unc-79 subunit of NALCN channel complex; plus strand). Cytogenetic location: 14q32.12.
Variant type: single nucleotide variant.
Coding change: c.4875T>C on transcript NM_001395159.1 (MANE Select); coding-DNA position 4875, T replaced by C.
Protein change: p.Ala1625=; no amino-acid change (alanine 1625 retained).
Molecular consequence: synonymous variant.
Genome position (GRCh38, 1-based): chr14:93,621,892, T>C. VCF-style: chr14-93621892-T-C. GRCh37 (hg19) VCF-style: chr14-94088238-T-C.
Other names: c.4809T>C, p.Ala1603= (NM_001346218.2); c.4128T>C, p.Ala1376= (NM_020818.5).
Identifiers: ClinVar variation 5040805 (VCV005040805.1).
Genomic context (GRCh38, chr14:93,621,892, plus strand): 5'-CCAAGCTGCGTATATCGCACAAAGACCAAACGACCCTGGACGTTCTAGACAGAACTCTGC[T>C]ACGAGGCCTGACAATAGTGAAATCCCCGAGAACCCAGCTATGGAAGGGTTTCCAGATGCT-3'
Protein context (NP_001382088.1, residues 1615-1635): NDPGRSRQNS[Ala1625=]TRPDNSEIPE